The following is an entry in ClinVar:

ClinVar aggregate classification (germline): Uncertain significance (1 of 4 stars; one submission).

Submission:

Labcorp Genetics (formerly Invitae), Labcorp
Classification: Uncertain significance. Last evaluated: 2024-03-03. Review status: criteria provided, single submitter. Criteria: Invitae Variant Classification Sherloc (09022015). Collection method: clinical testing. Allele origin: germline.
Comment: This sequence change replaces proline, which is neutral and non-polar, with leucine, which is neutral and non-polar, at codon 150 of the COL9A3 protein (p.Pro150Leu). This variant is not present in population databases (gnomAD no frequency). This variant has not been reported in the literature in individuals affected with COL9A3-related conditions. Advanced modeling of protein sequence and biophysical properties (such as structural, functional, and spatial information, amino acid conservation, physicochemical variation, residue mobility, and thermodynamic stability) performed at Invitae indicates that this missense variant is not expected to disrupt COL9A3 protein function with a negative predictive value of 95%. In summary, the available evidence is currently insufficient to determine the role of this variant in disease. Therefore, it has been classified as a Variant of Uncertain Significance.

NM_001853.4(COL9A3):c.449C>T (p.Pro150Leu)

Gene: COL9A3 (collagen type IX alpha 3 chain; plus strand). Cytogenetic location: 20q13.33.
Variant type: single nucleotide variant.
Coding change: c.449C>T on transcript NM_001853.4 (MANE Select); coding-DNA position 449, C replaced by T.
Protein change: p.Pro150Leu; replaces proline 150 with leucine.
Molecular consequence: missense variant.
Genome position (GRCh38, 1-based): chr20:62,822,136, C>T. VCF-style: chr20-62822136-C-T. GRCh37 (hg19) VCF-style: chr20-61453488-C-T.
Other names: short protein forms P150L.
Identifiers: ClinVar variation 3604776 (VCV003604776.2).